The following is an entry in ClinVar:

ClinVar aggregate classification (germline): Likely pathogenic (1 of 4 stars; one submission).

Conditions:
Aspartylglucosaminuria (AGU). Also called: GLYCOASPARAGINASE; GLYCOSYLASPARAGINASE DEFICIENCY; AGA DEFICIENCY; Aspartylglucos-aminuria; Aspartylglucos-amidase (AGA) deficiency. Identifiers: Orphanet 93, MedGen C0268225, MONDO:0008830, OMIM 208400, HP:0012068.

Submission:

Labcorp Genetics (formerly Invitae), Labcorp
Classification: Likely pathogenic for Aspartylglucosaminuria. Last evaluated: 2021-08-12. Review status: criteria provided, single submitter. Criteria: Invitae Variant Classification Sherloc (09022015). Collection method: clinical testing. Allele origin: germline.
Comment: Algorithms developed to predict the effect of sequence changes on RNA splicing suggest that this variant may disrupt the consensus splice site. In summary, the currently available evidence indicates that the variant is pathogenic, but additional data are needed to prove that conclusively. Therefore, this variant has been classified as Likely Pathogenic. This sequence change affects a donor splice site in intron 6 of the AGA gene. It is expected to disrupt RNA splicing. Variants that disrupt the donor or acceptor splice site typically lead to a loss of protein function (PMID: 16199547), and loss-of-function variants in AGA are known to be pathogenic (PMID: 7627186, 11309371). This variant is not present in population databases (ExAC no frequency). This variant has not been reported in the literature in individuals affected with AGA-related conditions.

Literature cited by the submitters: PubMed 16199547; PubMed 7627186; PubMed 11309371.

NM_000027.4(AGA):c.698+2T>C

Gene: AGA (aspartylglucosaminidase; minus strand). Cytogenetic location: 4q34.3.
Variant type: single nucleotide variant.
Coding change: c.698+2T>C on transcript NM_000027.4 (MANE Select); the canonical splice donor site of the intron after coding-DNA position 698, T replaced by C.
Molecular consequence: splice donor variant. On other transcripts: intron variant (1).
Genome position (GRCh38, 1-based): chr4:177,436,274, A>G on the plus strand (T>C on the coding strand, the complement: AGA is on the minus strand). VCF-style: chr4-177436274-A-G. GRCh37 (hg19) VCF-style: chr4-178357428-A-G.
Other names: c.676+24T>C (NM_001171988.2).
Identifiers: ClinVar variation 1510091 (VCV001510091.6), dbSNP rs2111013260, ClinGen allele CA358782370.